The following is an entry in ClinVar:

NM_001379110.1(SLC9A6):c.1201A>G (p.Ile401Val)

Gene: SLC9A6 (solute carrier family 9 member A6; plus strand). Cytogenetic location: Xq26.3.
Variant type: single nucleotide variant.
Coding change: c.1201A>G on transcript NM_001379110.1 (MANE Select); coding-DNA position 1201, A replaced by G.
Protein change: p.Ile401Val; replaces isoleucine 401 with valine.
Molecular consequence: missense variant.
Genome position (GRCh38, 1-based): chrX:136,022,592, A>G. VCF-style: chrX-136022592-A-G. GRCh37 (hg19) VCF-style: chrX-135104751-A-G.
Other names: c.1105A>G, p.Ile369Val (NM_001400913.1, NM_001330652.2); c.1261A>G, p.Ile421Val (NM_006359.3); c.1357A>G, p.Ile453Val (NM_001042537.2); c.1201A>G, p.Ile401Val (NM_001177651.2, NM_001400909.1, NM_001400910.1 and 2 more transcripts); short protein forms I369V, I401V, I421V, I453V.
Identifiers: ClinVar variation 2415038 (VCV002415038.7), dbSNP rs782377840, ClinGen allele CA10524790.

ClinVar aggregate classification (germline): Uncertain significance (1 of 4 stars; one submission).

Conditions:
Christianson syndrome (MRXSCH). Also called: X-linked mental retardation, syndromic, Christianson type; SLC9A6-Related Syndromic Mental Retardation; INTELLECTUAL DEVELOPMENTAL DISORDER, X-LINKED, SYNDROMIC, CHRISTIANSON TYPE. Identifiers: Orphanet 85278, MedGen C2678194, MONDO:0010278, OMIM 300243.

Allele frequency attached by ClinVar (database versions not stated): gnomAD exomes below 0.00001; ExAC 0.00002.
gnomAD v4.1: 3 of 1,169,128 alleles (0.00026%); highest among the groups gnomAD compares: Non-Finnish European, 0.00035%; no homozygotes.

Submission:

Labcorp Genetics (formerly Invitae), Labcorp
Classification: Uncertain significance for Christianson syndrome. Last evaluated: 2022-08-21. Review status: criteria provided, single submitter. Criteria: Invitae Variant Classification Sherloc (09022015). Collection method: clinical testing. Allele origin: germline.
Comment: In summary, the available evidence is currently insufficient to determine the role of this variant in disease. Therefore, it has been classified as a Variant of Uncertain Significance. Algorithms developed to predict the effect of missense changes on protein structure and function (SIFT, PolyPhen-2, Align-GVGD) all suggest that this variant is likely to be tolerated. This variant has not been reported in the literature in individuals affected with SLC9A6-related conditions. This variant is present in population databases (rs782377840, gnomAD 0.008%), including at least one homozygous and/or hemizygous individual. This sequence change replaces isoleucine, which is neutral and non-polar, with valine, which is neutral and non-polar, at codon 421 of the SLC9A6 protein (p.Ile421Val).